The following is an entry in ClinVar:

Conditions:
Breast-ovarian cancer, familial, susceptibility to, 1 (BROVCA1). Also called: BRCA1 Hereditary Breast and Ovarian Cancer; OVARIAN CANCER, SUSCEPTIBILITY TO. Identifiers: Orphanet 145, MedGen C2676676, MONDO:0011450, OMIM 604370. Disease mechanism: loss of function.

Submission:

Brotman Baty Institute, University of Washington
No classification provided (evidence only). Condition: Breast-ovarian cancer, familial 1. Review status: no classification provided. Collection method: in vitro. Allele origin: not applicable. Functional consequence: functionally_normal.
ClinVar note: "not provided" was previously submitted as the classification for the variant. However, the classification appeared to be based only on an observation of functional data so it was converted to no classification on 2025-07-30.

NM_007294.4(BRCA1):c.5556C>A (p.Thr1852=)

Gene: BRCA1 (BRCA1 DNA repair associated; minus strand). Cytogenetic location: 17q21.31.
Variant type: single nucleotide variant.
Coding change: c.5556C>A on transcript NM_007294.4 (MANE Select); coding-DNA position 5556, C replaced by A.
Protein change: p.Thr1852=; no amino-acid change (threonine 1852 retained).
Molecular consequence: synonymous variant. On other transcripts: 3 prime UTR variant (17).
Genome position (GRCh38, 1-based): chr17:43,045,714, G>T on the plus strand (C>A on the coding strand, the complement: BRCA1 is on the minus strand). VCF-style: chr17-43045714-G-T. GRCh37 (hg19) VCF-style: chr17-41197731-G-T.
Other names: c.5343C>A, p.Thr1781= (NM_001407571.1, NM_001407894.1, NM_001407895.1 and 12 more transcripts); c.5622C>A, p.Thr1874= (NM_001407581.1, NM_001407582.1); c.5619C>A, p.Thr1873= (NM_001407583.1, NM_001407585.1, NM_001407587.1 and 1 more transcripts); c.5616C>A, p.Thr1872= (NM_001407590.1, NM_001407591.1); c.5556C>A, p.Thr1852= (NM_001407593.1, NM_001407594.1, NM_001407596.1 and 5 more transcripts); c.5553C>A, p.Thr1851= (NM_001407610.1, NM_001407611.1, NM_001407612.1 and 14 more transcripts); c.5550C>A, p.Thr1850= (NM_001407627.1, NM_001407628.1, NM_001407629.1 and 13 more transcripts); c.5547C>A, p.Thr1849= (NM_001407644.1, NM_001407645.1); and 74 more.
Identifiers: ClinVar variation 869043 (VCV000869043.3), dbSNP rs80356841, ClinGen allele CA500142884.